The following is an entry in ClinVar:

ClinVar aggregate classification (germline): Uncertain significance (1 of 4 stars; one submission).

Submission:

Labcorp Genetics (formerly Invitae), Labcorp
Classification: Uncertain significance. Last evaluated: 2024-01-22. Review status: criteria provided, single submitter. Criteria: Invitae Variant Classification Sherloc (09022015). Collection method: clinical testing. Allele origin: germline.
Comment: This sequence change replaces arginine, which is basic and polar, with lysine, which is basic and polar, at codon 576 of the EMC1 protein (p.Arg576Lys). This variant is not present in population databases (gnomAD no frequency). This variant has not been reported in the literature in individuals affected with EMC1-related conditions. Advanced modeling of protein sequence and biophysical properties (such as structural, functional, and spatial information, amino acid conservation, physicochemical variation, residue mobility, and thermodynamic stability) performed at Invitae indicates that this missense variant is not expected to disrupt EMC1 protein function with a negative predictive value of 80%. In summary, the available evidence is currently insufficient to determine the role of this variant in disease. Therefore, it has been classified as a Variant of Uncertain Significance.

NM_015047.3(EMC1):c.1727G>A (p.Arg576Lys)

Genes: EMC1 (ER membrane protein complex subunit 1; minus strand), EMC1-AS1 (EMC1 antisense RNA 1; plus strand). Cytogenetic location: 1p36.13.
Variant type: single nucleotide variant.
Coding change: c.1727G>A on transcript NM_015047.3 (MANE Select); coding-DNA position 1727, G replaced by A.
Protein change: p.Arg576Lys; replaces arginine 576 with lysine.
Molecular consequence: missense variant.
Genome position (GRCh38, 1-based): chr1:19,232,679, C>T on the plus strand (G>A on the coding strand, the complement: EMC1 is on the minus strand). VCF-style: chr1-19232679-C-T. GRCh37 (hg19) VCF-style: chr1-19559173-C-T.
Other names: c.1724G>A, p.Arg575Lys (NM_001271427.2, NM_001271428.2); c.1661G>A, p.Arg554Lys (NM_001271429.2); c.1736G>A, p.Arg579Lys (NM_001375820.1); c.1733G>A, p.Arg578Lys (NM_001375821.1); short protein forms R575K, R576K, R554K, R578K, R579K.
Identifiers: ClinVar variation 2710735 (VCV002710735.3), dbSNP rs2536730366, ClinGen allele CA338760687.